The following is an entry in ClinVar:

ClinVar aggregate classification (germline): Uncertain significance (1 of 4 stars; one submission).

Conditions:
Cardiovascular phenotype. Identifiers: MedGen CN230736.

gnomAD v4.1: 8 of 1,614,072 alleles (0.0005%); highest among the groups gnomAD compares: South Asian, 0.0011%; no homozygotes.

Submission:

Ambry Genetics
Classification: Uncertain significance for Cardiovascular phenotype. Last evaluated: 2025-11-15. Review status: criteria provided, single submitter. Criteria: Ambry Variant Classification Scheme 2023. Collection method: clinical testing. Allele origin: germline.
Comment: The p.D3334G variant (also known as c.10001A>G), located in coding exon 38 of the ANK2 gene, results from an A to G substitution at nucleotide position 10001. The aspartic acid at codon 3334 is replaced by glycine, an amino acid with similar properties. This amino acid position is conserved. In addition, the in silico prediction for this alteration is inconclusive. Based on the available evidence, the clinical significance of this variant remains unclear.

NM_001148.6(ANK2):c.10001A>G (p.Asp3334Gly)

Gene: ANK2 (ankyrin 2; plus strand). Cytogenetic location: 4q26.
Variant type: single nucleotide variant.
Coding change: c.10001A>G on transcript NM_001148.6 (MANE Select); coding-DNA position 10001, A replaced by G.
Protein change: p.Asp3334Gly; replaces aspartic acid 3334 with glycine.
Molecular consequence: missense variant. On other transcripts: intron variant (68).
Genome position (GRCh38, 1-based): chr4:113,358,619, A>G. VCF-style: chr4-113358619-A-G. GRCh37 (hg19) VCF-style: chr4-114279775-A-G.
Other names: c.4397-2204A>G (NM_001354252.2, NM_001354239.2); c.4298-2204A>G (NM_001354272.2); c.4361-2204A>G (NM_001354244.2, NM_001354256.2, NM_001386161.1); c.4400-2204A>G (NM_001127493.3); c.4364-2204A>G (NM_001386143.1, NM_001354243.2, NM_001354255.2); c.4265-2204A>G (NM_001354262.2, NM_001354275.2, NM_001354245.2); c.4202-2204A>G (NM_001354253.2, NM_001354270.2); c.4166-2204A>G (NM_001354257.2, NM_001386156.1); and 35 more; short protein forms D3373G, D3381G, D3256G, D3334G, D2134G.
Identifiers: ClinVar variation 4613567 (VCV004613567.1).
Genomic context (GRCh38, chr4:113,358,619, plus strand): 5'-CAGCACCTCCATCTGCAGAGTATGAGAGTTCAGTTTCTGAAGATTTTCTATCCAGTGTAG[A>G]TGAGGAAAATAAGGCGGATGAAGCAAAACCAAAGTCCAAACTCCCTGTCAAAGTACCCCT-3'
Protein context (NP_001139.3, residues 3324-3344): SVSEDFLSSV[Asp3334Gly]EENKADEAKP